The following is an entry in ClinVar:

NM_001122752.2(SERPINI1):c.700G>C (p.Glu234Gln)

Gene: SERPINI1 (serpin family I member 1; plus strand). Cytogenetic location: 3q26.1.
Variant type: single nucleotide variant.
Coding change: c.700G>C on transcript NM_001122752.2 (MANE Select); coding-DNA position 700, G replaced by C.
Protein change: p.Glu234Gln; replaces glutamic acid 234 with glutamine.
Molecular consequence: missense variant.
Genome position (GRCh38, 1-based): chr3:167,794,643, G>C. VCF-style: chr3-167794643-G-C. GRCh37 (hg19) VCF-style: chr3-167512431-G-C.
Other names: c.700G>C, p.Glu234Gln (NM_005025.5); short protein forms E234Q.
Identifiers: ClinVar variation 2089555 (VCV002089555.4), dbSNP rs2476235582, ClinGen allele CA355156943.

ClinVar aggregate classification (germline): Uncertain significance (1 of 4 stars; one submission).

Conditions:
Familial encephalopathy with neuroserpin inclusion bodies. Also called: ENCEPHALOPATHY, FAMILIAL, WITH COLLINS BODIES. Identifiers: Orphanet 85110, MedGen C1858680, MONDO:0011412, OMIM 604218.

Submission:

Labcorp Genetics (formerly Invitae), Labcorp
Classification: Uncertain significance for Familial encephalopathy with neuroserpin inclusion bodies. Last evaluated: 2022-11-15. Review status: criteria provided, single submitter. Criteria: Invitae Variant Classification Sherloc (09022015). Collection method: clinical testing. Allele origin: germline.
Comment: In summary, the available evidence is currently insufficient to determine the role of this variant in disease. Therefore, it has been classified as a Variant of Uncertain Significance. Algorithms developed to predict the effect of missense changes on protein structure and function (SIFT, PolyPhen-2, Align-GVGD) all suggest that this variant is likely to be disruptive. This variant has not been reported in the literature in individuals affected with SERPINI1-related conditions. This variant is not present in population databases (gnomAD no frequency). This sequence change replaces glutamic acid, which is acidic and polar, with glutamine, which is neutral and polar, at codon 234 of the SERPINI1 protein (p.Glu234Gln).